The following is an entry in ClinVar:

ClinVar aggregate classification (germline): Likely benign. Review status: criteria provided, multiple submitters, no conflicts (2 of 4 stars). 3 submissions from 3 submitters: Likely benign (3). Last evaluated 2026-02-12.

Conditions:
LRP2-related disorder. Also called: LRP2-related condition.

Allele frequency attached by ClinVar (database versions not stated): gnomAD 0.00001; gnomAD exomes 0.00001 and 0.00004; ExAC 0.00002; TOPMed 0.00004.
gnomAD v4.1: 29 of 1,613,144 alleles (0.0018%); highest among the groups gnomAD compares: East Asian, 0.029%; no homozygotes.

Submissions (3):

PreventionGenetics, part of Exact Sciences
Classification: Likely benign for LRP2-related condition. Last evaluated: 2026-02-12. Review status: criteria provided, single submitter. Criteria: ACMG Guidelines, 2015. Collection method: clinical testing. Allele origin: germline.
Comment: This variant is classified as likely benign based on ACMG/AMP sequence variant interpretation guidelines (Richards et al. 2015 PMID: 25741868, with internal and published modifications).

Labcorp Genetics (formerly Invitae), Labcorp
Classification: Likely benign. Last evaluated: 2026-01-21. Review status: criteria provided, single submitter. Criteria: Invitae Variant Classification Sherloc (09022015). Collection method: clinical testing. Allele origin: germline.

Blueprint Genetics
Classification: Likely benign. Last evaluated: 2024-10-28. Review status: criteria provided, single submitter. Criteria: ACMG Guidelines, 2015. Collection method: clinical testing. Allele origin: germline.

NM_004525.3(LRP2):c.12012C>T (p.Ser4004=)

Gene: LRP2 (LDL receptor related protein 2; minus strand). Cytogenetic location: 2q31.1.
Variant type: single nucleotide variant.
Coding change: c.12012C>T on transcript NM_004525.3 (MANE Select); coding-DNA position 12012, C replaced by T.
Protein change: p.Ser4004=; no amino-acid change (serine 4004 retained).
Molecular consequence: synonymous variant.
Genome position (GRCh38, 1-based): chr2:169,157,378, G>A on the plus strand (C>T on the coding strand, the complement: LRP2 is on the minus strand). VCF-style: chr2-169157378-G-A. GRCh37 (hg19) VCF-style: chr2-170013888-G-A.
Other names: c.12012C>T (NM_004525.2).
Identifiers: ClinVar variation 1596236 (VCV001596236.10), dbSNP rs773085878, ClinGen allele CA1952906.